The following is an entry in ClinVar:

ClinVar aggregate classification (germline): Conflicting classifications of pathogenicity. Review status: criteria provided, conflicting classifications (1 of 4 stars). 3 submissions from 3 submitters: Likely pathogenic (1); Uncertain significance (2). Last evaluated 2026-03-27.

Conditions:
Cardiovascular phenotype. Identifiers: MedGen CN230736.
Familial thoracic aortic aneurysm and aortic dissection (TAAD). Also called: Thoracic aortic aneurysms and dissections. Identifiers: Orphanet 91387, MedGen C4707243, MONDO:0019625.
Aortic aneurysm, familial thoracic 6 (AAT6). Also called: FAMILIAL THORACIC AORTIC ANEURYSM WITH LIVEDO RETICULARIS AND IRIS FLOCCULI. Identifiers: MedGen C2673186, MONDO:0012730, OMIM 611788.

Allele frequency attached by ClinVar (database versions not stated): gnomAD exomes below 0.00001; TOPMed below 0.00001.
gnomAD v4.1: 1 of 1,613,730 alleles (0.000062%); highest among the groups gnomAD compares: Non-Finnish European, 0.000085%; no homozygotes.

Submissions (3):

Molecular Diagnostic Laboratory for Inherited Cardiovascular Disease, Montreal Heart Institute
Classification: Uncertain significance for Cardiovascular phenotype. Last evaluated: 2026-03-27. Review status: criteria provided, single submitter. Criteria: ACMG Guidelines, 2015. Collection method: clinical testing. Allele origin: germline. Affected: yes.
Comment: PM2, PP2, PP3

Ambry Genetics
Classification: Likely pathogenic for Familial thoracic aortic aneurysm and aortic dissection. Last evaluated: 2024-06-07. Review status: criteria provided, single submitter. Criteria: Ambry Variant Classification Scheme 2023. Collection method: clinical testing. Allele origin: germline.
Comment: The p.G368R variant (also known as c.1102G>A), located in coding exon 8 of the ACTA2 gene, results from a G to A substitution at nucleotide position 1102. The glycine at codon 368 is replaced by arginine, an amino acid with dissimilar properties. This variant has been observed in at least one individual with a personal and/or family history that is consistent with ACTA2-related vascular disorders (Ambry internal data; external communication). This missense alteration is located in a region that has a low rate of benign missense variation (Lek M et al. Nature. 2016 Aug 18;536(7616):285-91; DECIPHER: Database of Chromosomal Imbalance and Phenotype in Humans using Ensembl Resources. Firth H.V. et al. 2009. Am.J.Hum.Genet. 84, 524-533 (DOI)). This amino acid position is highly conserved in available vertebrate species. In addition, this alteration is predicted to be deleterious by in silico analysis. This variant is considered to be rare based on population cohorts in the Genome Aggregation Database (gnomAD). Based on the majority of available evidence to date, this variant is likely to be pathogenic.

Labcorp Genetics (formerly Invitae), Labcorp
Classification: Uncertain significance for Aortic aneurysm, familial thoracic 6. Last evaluated: 2019-04-06. Review status: criteria provided, single submitter. Criteria: Invitae Variant Classification Sherloc (09022015). Collection method: clinical testing. Allele origin: germline.
Comment: This sequence change replaces glycine with arginine at codon 368 of the ACTA2 protein (p.Gly368Arg). The glycine residue is highly conserved and there is a moderate physicochemical difference between glycine and arginine. This variant is not present in population databases (ExAC no frequency). Algorithms developed to predict the effect of missense changes on protein structure and function (SIFT, PolyPhen-2, Align-GVGD) all suggest that this variant is likely to be disruptive, but these predictions have not been confirmed by published functional studies and their clinical significance is uncertain. In summary, the available evidence is currently insufficient to determine the role of this variant in disease. Therefore, it has been classified as a Variant of Uncertain Significance.

NM_001613.4(ACTA2):c.1102G>A (p.Gly368Arg)

Genes: ACTA2 (actin alpha 2, smooth muscle; minus strand), ACTA2-AS1 (ACTA2 antisense RNA 1; plus strand). Cytogenetic location: 10q23.31.
Variant type: single nucleotide variant.
Coding change: c.1102G>A on transcript NM_001613.4 (MANE Select); coding-DNA position 1102, G replaced by A.
Protein change: p.Gly368Arg; replaces glycine 368 with arginine.
Molecular consequence: missense variant. On other transcripts: non-coding transcript variant (1).
Genome position (GRCh38, 1-based): chr10:88,935,255, C>T on the plus strand (G>A on the coding strand, the complement: ACTA2 is on the minus strand). VCF-style: chr10-88935255-C-T. GRCh37 (hg19) VCF-style: chr10-90695012-C-T.
Other names: c.1102G>A, p.Gly368Arg (NM_001141945.3, NM_001320855.2, NM_001406462.1 and 2 more transcripts); c.991G>A, p.Gly331Arg (NM_001406466.1); c.973G>A, p.Gly325Arg (NM_001406467.1, NM_001406468.1, NM_001406469.1); c.910G>A, p.Gly304Arg (NM_001406471.1); short protein forms G368R, G304R, G325R, G331R.
Identifiers: ClinVar variation 841121 (VCV000841121.13), dbSNP rs1845711244, ClinGen allele CA377510385.
Genomic context (GRCh38, chr10:88,935,255, plus strand): 5'-TAGAGACAGAGAGGAGCAGGAAAGTGTTTTAGAAGCATTTGCGGTGGACAATGGAAGGCC[C>T]GGCTTCATCGTATTCCTGTTTGCTGATCCACATCTGCTGGAAGGTGGACAGAGAGGCCAG-3'
Protein context (NP_001604.1, residues 358-377): WISKQEYDEA[Gly368Arg]PSIVHRKCF